The following is an entry in ClinVar:

NM_000168.6(GLI3):c.3130C>T (p.Leu1044Phe)

Gene: GLI3 (GLI family zinc finger 3; minus strand). Cytogenetic location: 7p14.1.
Variant type: single nucleotide variant.
Coding change: c.3130C>T on transcript NM_000168.6 (MANE Select); coding-DNA position 3130, C replaced by T.
Protein change: p.Leu1044Phe; replaces leucine 1044 with phenylalanine.
Molecular consequence: missense variant.
Genome position (GRCh38, 1-based): chr7:41,965,943, G>A on the plus strand (C>T on the coding strand, the complement: GLI3 is on the minus strand). VCF-style: chr7-41965943-G-A. GRCh37 (hg19) VCF-style: chr7-42005541-G-A.
Other names: short protein forms L1044F.
Identifiers: ClinVar variation 4790029 (VCV004790029.1).

ClinVar aggregate classification (germline): Uncertain significance (1 of 4 stars; one submission).

Conditions:
Pallister-Hall syndrome (PHS). Also called: GLI3-Related Pallister-Hall Syndrome; HYPOTHALAMIC HAMARTOBLASTOMA, HYPOPITUITARISM, IMPERFORATE ANUS, AND POSTAXIAL POLYDACTYLY. Identifiers: Orphanet 672, MedGen C0265220, MONDO:0007804, OMIM 146510.
Greig cephalopolysyndactyly syndrome (GCPS). Also called: POLYSYNDACTYLY WITH PECULIAR SKULL SHAPE; Greig syndrome; GLI3-Related Greig Cephalopolysyndactyly Syndrome. Identifiers: Orphanet 380, MedGen C0265306, MONDO:0008287, OMIM 175700.

gnomAD v4.1: 1 of 1,612,518 alleles (0.000062%); highest among the groups gnomAD compares: Non-Finnish European, 0.000085%; no homozygotes.

Submission:

Labcorp Genetics (formerly Invitae), Labcorp
Classification: Uncertain significance for Pallister-Hall syndrome; Greig cephalopolysyndactyly syndrome. Last evaluated: 2025-08-11. Review status: criteria provided, single submitter. Criteria: Invitae Variant Classification Sherloc (09022015). Collection method: clinical testing. Allele origin: germline.
Comment: This sequence change replaces leucine, which is neutral and non-polar, with phenylalanine, which is neutral and non-polar, at codon 1044 of the GLI3 protein (p.Leu1044Phe). This variant is not present in population databases (gnomAD no frequency). This variant has not been reported in the literature in individuals affected with GLI3-related conditions. Invitae Evidence Modeling of protein sequence and biophysical properties (such as structural, functional, and spatial information, amino acid conservation, physicochemical variation, residue mobility, and thermodynamic stability) indicates that this missense variant is not expected to disrupt GLI3 protein function with a negative predictive value of 95%. In summary, the available evidence is currently insufficient to determine the role of this variant in disease. Therefore, it has been classified as a Variant of Uncertain Significance.